The following is an entry in ClinVar:

ClinVar aggregate classification (germline): Pathogenic (1 of 4 stars; one submission).

Submission:

Quest Diagnostics Nichols Institute San Juan Capistrano
Classification: Pathogenic. Last evaluated: 2023-04-21. Review status: criteria provided, single submitter. Criteria: ACMG/ClinGen CNV Guidelines, 2019. Collection method: clinical testing. Allele origin: unknown.
Comment: This Xp22.12 loss involves multiple exons (NM_014927.5) of an intragenic portion of CNKSR2 (OMIM 300724). Deletions of CNKSR2 resulting in haploinsufficiency are associated with the Houge type of X-linked syndromic intellectual developmental disorder (MRXSHG; OMIM 301008, Rehm 2015). Thus, this copy number variant (CNV) is classified as pathogenic. Reference: Rehm et al., N Engl J Med. 2015 Jun 4;372(23):2235-42. PMID: 26014595 (HGNC: 19701)

GRCh37/hg19 Xp22.12(chrX:21500494-21574694)x0

Gene: CNKSR2 (connector enhancer of kinase suppressor of Ras 2; plus strand). Cytogenetic location: Xp22.12.
Variant type: copy number loss.
Change: copy number 0 of chrX:21,500,494-21,574,694 (74.2 kb, GRCh37 coordinates, 1-based), cytogenetic band Xp22.12.
Identifiers: ClinVar variation 2685443 (VCV002685443.1).